The following is an entry in ClinVar:

NM_005732.4(RAD50):c.3733C>G (p.Leu1245Val)

Genes: TH2-LCR (Th2 cytokine locus control region; plus strand), RAD50 (RAD50 double strand break repair protein; plus strand), TH2LCRR (T helper type 2 locus control region associated RNA; minus strand). Cytogenetic location: 5q31.1.
Variant type: single nucleotide variant.
Coding change: c.3733C>G on transcript NM_005732.4 (MANE Select); coding-DNA position 3733, C replaced by G.
Protein change: p.Leu1245Val; replaces leucine 1245 with valine.
Molecular consequence: missense variant.
Genome position (GRCh38, 1-based): chr5:132,640,786, C>G. VCF-style: chr5-132640786-C-G. GRCh37 (hg19) VCF-style: chr5-131976478-C-G.
Other names: short protein forms L1245V.
Identifiers: ClinVar variation 480445 (VCV000480445.8), dbSNP rs1554101201, ClinGen allele CA360934918.

ClinVar aggregate classification (germline): Uncertain significance. Review status: criteria provided, multiple submitters, no conflicts (2 of 4 stars). 2 submissions from 2 submitters: Uncertain significance (2). Last evaluated 2023-02-10.

Conditions:
Hereditary cancer-predisposing syndrome. Also called: Hereditary Cancer Syndrome; Neoplastic Syndromes, Hereditary; Tumor predisposition; Hereditary neoplastic syndrome. Identifiers: Orphanet 140162, MedGen C0027672, MeSH D009386, MONDO:0015356.

Allele frequency attached by ClinVar (database versions not stated): gnomAD exomes below 0.00001.
gnomAD v4.1: 1 of 1,613,224 alleles (0.000062%); highest among the groups gnomAD compares: Non-Finnish European, 0.000085%; no homozygotes.

Submissions (2):

Labcorp Genetics (formerly Invitae), Labcorp
Classification: Uncertain significance for Hereditary cancer-predisposing syndrome. Last evaluated: 2023-02-10. Review status: criteria provided, single submitter. Criteria: Invitae Variant Classification Sherloc (09022015). Collection method: clinical testing. Allele origin: germline.
Comment: In summary, the available evidence is currently insufficient to determine the role of this variant in disease. Therefore, it has been classified as a Variant of Uncertain Significance. Advanced modeling of protein sequence and biophysical properties (such as structural, functional, and spatial information, amino acid conservation, physicochemical variation, residue mobility, and thermodynamic stability) performed at Invitae indicates that this missense variant is expected to disrupt RAD50 protein function. ClinVar contains an entry for this variant (Variation ID: 480445). This variant has not been reported in the literature in individuals affected with RAD50-related conditions. This variant is not present in population databases (gnomAD no frequency). This sequence change replaces leucine, which is neutral and non-polar, with valine, which is neutral and non-polar, at codon 1245 of the RAD50 protein (p.Leu1245Val).

Ambry Genetics
Classification: Uncertain significance for Hereditary cancer-predisposing syndrome. Last evaluated: 2016-07-08. Review status: criteria provided, single submitter. Criteria: Ambry Variant Classification Scheme 2023. Collection method: clinical testing. Allele origin: germline.
Comment: The p.L1245V variant (also known as c.3733C>G), located in coding exon 24 of the RAD50 gene, results from a C to G substitution at nucleotide position 3733. The leucine at codon 1245 is replaced by valine, an amino acid with highly similar properties. This variant was not reported in population based cohorts in the following databases: Database of Single Nucleotide Polymorphisms (dbSNP), NHLBI Exome Sequencing Project (ESP), and 1000 Genomes Project. In the ESP, this variant was not observed in 6503 samples (13006 alleles) with coverage at this position. To date, this alteration has been detected with an allele frequency of approximately 0.001% (greater than 175000 alleles tested) in our clinical cohort. This amino acid alignment is not available in most vertebrate species; however, the region around this position is well conserved. In addition, this alteration is predicted to be tolerated by in silico analysis. Since supporting evidence is limited at this time, the clinical significance of this alteration remains unclear.